The following is an entry in ClinVar:

ClinVar aggregate classification (germline): Likely benign. Review status: criteria provided, multiple submitters, no conflicts (2 of 4 stars). 3 submissions from 3 submitters: Likely benign (3). Last evaluated 2025-11-17.

Conditions:
Cardiomyopathy (CMYO). Also called: Cardiomyopathies. Identifiers: Orphanet 167848, MedGen C0878544, MONDO:0004994, HP:0001638. Inheritance: Various modes of inheritance.
Arrhythmogenic right ventricular cardiomyopathy (ARVD). Also called: Arrhythmogenic cardiomyopathy; Cardiomyopathy, ARVC; Arrhythmogenic right ventricular dysplasia; Arrhythmogenic Right Ventricular Cardiomyopathy (ARVC). Identifiers: Orphanet 247, MedGen C0349788, MeSH D019571, MONDO:0016587. Disease mechanism: loss of function. Inheritance: Various modes of inheritance.
Arrhythmogenic right ventricular dysplasia 10. Also called: Arrhythmogenic Right Ventricular Dysplasia/Cardiomyopathy10; ARRHYTHMOGENIC RIGHT VENTRICULAR DYSPLASIA, FAMILIAL, 10; Arrhythmogenic right ventricular dysplasia/cardiomyopathy, type 10. Identifiers: MedGen C1857777, MONDO:0012434, OMIM 610193.

Allele frequency attached by ClinVar (database versions not stated): gnomAD exomes below 0.00001 and 0.00001; TOPMed 0.00001.
gnomAD v4.1: 2 of 1,613,324 alleles (0.00012%); highest among the groups gnomAD compares: Non-Finnish European, 0.00017%; no homozygotes.

Submissions (3):

Labcorp Genetics (formerly Invitae), Labcorp
Classification: Likely benign for Arrhythmogenic right ventricular dysplasia 10. Last evaluated: 2025-11-17. Review status: criteria provided, single submitter. Criteria: Invitae Variant Classification Sherloc (09022015). Collection method: clinical testing. Allele origin: germline.

All of Us Research Program, National Institutes of Health
Classification: Likely benign for Arrhythmogenic right ventricular cardiomyopathy. Last evaluated: 2023-08-08. Review status: criteria provided, single submitter. Criteria: ACMG Guidelines, 2015. Collection method: clinical testing. Allele origin: germline. Inheritance: Autosomal dominant inheritance. Observed: 1 variant allele, 1 heterozygote.
Comment: This study involves interpretation of variants in research participants for the purpose of population health screening. Participant phenotype was not available at the time of variant classification. Additional details can be found in publication PMID: 35346344, PMCID: PMC8962531

Color Diagnostics, LLC DBA Color Health
Classification: Likely benign for Cardiomyopathy. Last evaluated: 2019-12-29. Review status: criteria provided, single submitter. Criteria: ACMG Guidelines, 2015. Collection method: clinical testing. Allele origin: germline.

NM_001943.5(DSG2):c.511T>C (p.Leu171=)

Gene: DSG2 (desmoglein 2; plus strand). Cytogenetic location: 18q12.1.
Variant type: single nucleotide variant.
Coding change: c.511T>C on transcript NM_001943.5 (MANE Select); coding-DNA position 511, T replaced by C.
Protein change: p.Leu171=; no amino-acid change (leucine 171 retained).
Molecular consequence: synonymous variant.
Genome position (GRCh38, 1-based): chr18:31,521,231, T>C. VCF-style: chr18-31521231-T-C. GRCh37 (hg19) VCF-style: chr18-29101194-T-C.
Identifiers: ClinVar variation 921849 (VCV000921849.10), dbSNP rs1271440899, ClinGen allele CA503597453.
Genomic context (GRCh38, chr18:31,521,231, plus strand): 5'-GATATCAATGACAACGAACCAGTGTTCACACAGGATGTCTTTGTTGGGTCTGTTGAAGAG[T>C]TGAGTGCAGCACGTAAGAGTCTTTTTTTTTTTTTTTAATAAATAAATACCTAAGATTACT-3'
Protein context (NP_001934.2, residues 161-181): QDVFVGSVEE[Leu171=]SAAHTLVMKI